The following is an entry in ClinVar:

ClinVar aggregate classification (germline): Uncertain significance. Review status: criteria provided, multiple submitters, no conflicts (2 of 4 stars). 2 submissions from 2 submitters: Uncertain significance (2). Last evaluated 2025-11-26.

Conditions:
Inborn genetic diseases. Identifiers: MedGen C0950123, MeSH D030342.
Mucolipidosis type II. Also called: Mucolipidosis 2; ML 2; Inclusion cell disease; Leroy Disease; N-acetylglucosamine 1phosphotransferase deficiency; ML disorder type 2. Identifiers: Orphanet 576, MedGen C2673377, MONDO:0009650, OMIM 252500.
Pseudo-Hurler polydystrophy. Also called: ML IIIA; Mucolipidosis III Alpha/Beta; MUCOLIPIDOSIS IIIA; ML III; ML III ALPHA/BETA; Type III Mucolipidosis. Identifiers: Orphanet 423461, Orphanet 577, MedGen C0033788, MONDO:0018931, OMIM 252600.

Allele frequency attached by ClinVar (database versions not stated): gnomAD 0.00004; 1000 Genomes Project 0.00040; ExAC 0.00010; 1000 Genomes Project 30x 0.00047.
gnomAD v4.1: 82 of 1,519,244 alleles (0.0054%); highest among the groups gnomAD compares: South Asian, 0.077%; no homozygotes.

Submissions (2):

Ambry Genetics
Classification: Uncertain significance for Inborn genetic diseases. Last evaluated: 2025-11-26. Review status: criteria provided, single submitter. Criteria: Ambry Variant Classification Scheme 2023. Collection method: clinical testing. Allele origin: germline.

Labcorp Genetics (formerly Invitae), Labcorp
Classification: Uncertain significance for Pseudo-Hurler polydystrophy; Mucolipidosis type II. Last evaluated: 2022-08-19. Review status: criteria provided, single submitter. Criteria: Invitae Variant Classification Sherloc (09022015). Collection method: clinical testing. Allele origin: germline.
Comment: This sequence change replaces proline, which is neutral and non-polar, with leucine, which is neutral and non-polar, at codon 1085 of the GNPTAB protein (p.Pro1085Leu). This variant is present in population databases (rs577252804, gnomAD 0.07%). This variant has not been reported in the literature in individuals affected with GNPTAB-related conditions. Algorithms developed to predict the effect of missense changes on protein structure and function (SIFT, PolyPhen-2, Align-GVGD) all suggest that this variant is likely to be disruptive. In summary, the available evidence is currently insufficient to determine the role of this variant in disease. Therefore, it has been classified as a Variant of Uncertain Significance.

NM_024312.5(GNPTAB):c.3254C>T (p.Pro1085Leu)

Gene: GNPTAB (N-acetylglucosamine-1-phosphate transferase subunits alpha and beta; minus strand). Cytogenetic location: 12q23.2.
Variant type: single nucleotide variant.
Coding change: c.3254C>T on transcript NM_024312.5 (MANE Select); coding-DNA position 3254, C replaced by T.
Protein change: p.Pro1085Leu; replaces proline 1085 with leucine.
Molecular consequence: missense variant.
Genome position (GRCh38, 1-based): chr12:101,757,653, G>A on the plus strand (C>T on the coding strand, the complement: GNPTAB is on the minus strand). VCF-style: chr12-101757653-G-A. GRCh37 (hg19) VCF-style: chr12-102151431-G-A.
Other names: c.3254C>T (NM_024312.4); short protein forms P1085L.
Identifiers: ClinVar variation 2144235 (VCV002144235.4), dbSNP rs577252804, ClinGen allele CA6746211.